The following is an entry in ClinVar:

ClinVar aggregate classification (germline): Uncertain significance (1 of 4 stars; one submission).

Conditions:
Hyperkalemic periodic paralysis. Also called: Familial hyperkalemic periodic paralysis; Gamstorp disease. Identifiers: Orphanet 682, MedGen C0238357, MONDO:0008224, OMIM 170500, HP:0007215.

Submission:

Labcorp Genetics (formerly Invitae), Labcorp
Classification: Uncertain significance for Hyperkalemic periodic paralysis. Last evaluated: 2023-12-11. Review status: criteria provided, single submitter. Criteria: Invitae Variant Classification Sherloc (09022015). Collection method: clinical testing. Allele origin: germline.
Comment: This sequence change replaces valine, which is neutral and non-polar, with phenylalanine, which is neutral and non-polar, at codon 75 of the SCN4A protein (p.Val75Phe). This variant is not present in population databases (gnomAD no frequency). This variant has not been reported in the literature in individuals affected with SCN4A-related conditions. ClinVar contains an entry for this variant (Variation ID: 1497208). Advanced modeling of protein sequence and biophysical properties (such as structural, functional, and spatial information, amino acid conservation, physicochemical variation, residue mobility, and thermodynamic stability) performed at Invitae indicates that this missense variant is not expected to disrupt SCN4A protein function with a negative predictive value of 95%. In summary, the available evidence is currently insufficient to determine the role of this variant in disease. Therefore, it has been classified as a Variant of Uncertain Significance.

NM_000334.4(SCN4A):c.223G>T (p.Val75Phe)

Gene: SCN4A (sodium voltage-gated channel alpha subunit 4; minus strand). Cytogenetic location: 17q23.3.
Variant type: single nucleotide variant.
Coding change: c.223G>T on transcript NM_000334.4 (MANE Select); coding-DNA position 223, G replaced by T.
Protein change: p.Val75Phe; replaces valine 75 with phenylalanine.
Molecular consequence: missense variant.
Genome position (GRCh38, 1-based): chr17:63,972,619, C>A on the plus strand (G>T on the coding strand, the complement: SCN4A is on the minus strand). VCF-style: chr17-63972619-C-A. GRCh37 (hg19) VCF-style: chr17-62049979-C-A.
Other names: short protein forms V75F.
Identifiers: ClinVar variation 1497208 (VCV001497208.6), dbSNP rs1909649961, ClinGen allele CA400640214.